The following is an entry in ClinVar:

NM_001371623.1(TCOF1):c.618_619del (p.Ser206_Ser207insTer)

Gene: TCOF1 (treacle ribosome biogenesis factor 1; plus strand). Cytogenetic location: 5q32.
Variant type: Deletion.
Coding change: c.618_619del on transcript NM_001371623.1 (MANE Select); coding-DNA positions 618 to 619, 2 bases deleted (CA; older notation c.618_619delCA).
Protein change: p.Ser206_Ser207insTer.
Molecular consequence: frameshift variant.
Genome position (GRCh38, 1-based): chr5:150,369,581-150,369,582, CA deleted. VCF-style (leftmost placement, unchanged base first): chr5-150369580-CCA-C. GRCh37 (hg19) VCF-style: chr5-149749143-CCA-C.
Other names: c.618_619del, p.Ser206_Ser207insTer (NM_000356.4, NM_001008657.3, NM_001135243.2 and 3 more transcripts).
Identifiers: ClinVar variation 1442692 (VCV001442692.6), dbSNP rs2150570748, ClinGen allele CA2573139297.

ClinVar aggregate classification (germline): Pathogenic (1 of 4 stars; one submission).

Conditions:
Treacher Collins syndrome 1 (TCS1). Also called: TCOF1-Related Treacher Collins Syndrome. Identifiers: Orphanet 861, MedGen CN315775, MONDO:0007944, OMIM 154500.

Submission:

Labcorp Genetics (formerly Invitae), Labcorp
Classification: Pathogenic for Treacher Collins syndrome 1. Last evaluated: 2021-02-19. Review status: criteria provided, single submitter. Criteria: Invitae Variant Classification Sherloc (09022015). Collection method: clinical testing. Allele origin: germline.
Comment: This sequence change creates a premature translational stop signal (p.Ser207*) in the TCOF1 gene. It is expected to result in an absent or disrupted protein product. Loss-of-function variants in TCOF1 are known to be pathogenic (PMID: 8894686, 22317976). This variant is not present in population databases (ExAC no frequency). This variant has not been reported in the literature in individuals with TCOF1-related conditions. For these reasons, this variant has been classified as Pathogenic.

Literature cited by the submitters: PubMed 8894686; PubMed 22317976.